The following is an entry in ClinVar:

NM_005502.4(ABCA1):c.5383-3T>C

Gene: ABCA1 (ATP binding cassette subfamily A member 1; minus strand). Cytogenetic location: 9q31.1.
Variant type: single nucleotide variant.
Coding change: c.5383-3T>C on transcript NM_005502.4 (MANE Select); 3 bases into the intron before coding-DNA position 5383, T replaced by C.
Molecular consequence: intron variant.
Genome position (GRCh38, 1-based): chr9:104,794,513, A>G on the plus strand (T>C on the coding strand, the complement: ABCA1 is on the minus strand). VCF-style: chr9-104794513-A-G. GRCh37 (hg19) VCF-style: chr9-107556794-A-G.
Identifiers: ClinVar variation 2113349 (VCV002113349.4), dbSNP rs1829705922, ClinGen allele CA2580079287.
Genomic context (GRCh38, chr9:104,794,513, plus strand): 5'-AAAAATGTGGGAAGATCAAGAACACGGACTTCAGGATATCATTGATATTATTCAGCTTCT[A>G]AAAAAAAAAAAAAAAAATGGGAGGGAAGGGAGGGTGAGGGAGAAGAAACGGGTGTCATTC-3'

ClinVar aggregate classification (germline): Uncertain significance (1 of 4 stars; one submission).

Submission:

Labcorp Genetics (formerly Invitae), Labcorp
Classification: Uncertain significance. Last evaluated: 2024-02-24. Review status: criteria provided, single submitter. Criteria: Invitae Variant Classification Sherloc (09022015). Collection method: clinical testing. Allele origin: germline.
Comment: This sequence change falls in intron 39 of the ABCA1 gene. It does not directly change the encoded amino acid sequence of the ABCA1 protein. It affects a nucleotide within the consensus splice site. This variant is not present in population databases (gnomAD no frequency). This variant has not been reported in the literature in individuals affected with ABCA1-related conditions. ClinVar contains an entry for this variant (Variation ID: 2113349). Variants that disrupt the consensus splice site are a relatively common cause of aberrant splicing (PMID: 17576681, 9536098). Algorithms developed to predict the effect of sequence changes on RNA splicing suggest that this variant is not likely to affect RNA splicing. In summary, the available evidence is currently insufficient to determine the role of this variant in disease. Therefore, it has been classified as a Variant of Uncertain Significance.

Literature cited by the submitters: PubMed 17576681; PubMed 9536098.